The following is an entry in ClinVar:

NM_031476.4(CRISPLD2):c.1080G>A (p.Val360=)

Gene: CRISPLD2 (cysteine rich secretory protein LCCL domain containing 2; plus strand). Cytogenetic location: 16q24.1.
Variant type: single nucleotide variant.
Coding change: c.1080G>A on transcript NM_031476.4 (MANE Select); coding-DNA position 1080, G replaced by A.
Protein change: p.Val360=; no amino-acid change (valine 360 retained).
Molecular consequence: synonymous variant.
Genome position (GRCh38, 1-based): chr16:84,873,090, G>A. VCF-style: chr16-84873090-G-A. GRCh37 (hg19) VCF-style: chr16-84906696-G-A.
Identifiers: ClinVar variation 3050511 (VCV003050511.2), dbSNP rs143175101, ClinGen allele CA8211882.

ClinVar aggregate classification (germline): Likely benign (0 of 4 stars; one submission).

Conditions:
CRISPLD2-related disorder. Also called: CRISPLD2-related condition.

Allele frequency attached by ClinVar (database versions not stated): ExAC 0.00001; gnomAD 0.00004; TOPMed 0.00005; gnomAD exomes 0.00007; ESP Exome Variant Server 0.00008.
gnomAD v4.1: 110 of 1,613,954 alleles (0.0068%); highest among the groups gnomAD compares: Non-Finnish European, 0.0088%; no homozygotes.

Submission:

PreventionGenetics, part of Exact Sciences
Classification: Likely benign for CRISPLD2-related condition. Last evaluated: 2022-05-31. Review status: no assertion criteria provided. Collection method: clinical testing. Allele origin: germline.
Comment: This variant is classified as likely benign based on ACMG/AMP sequence variant interpretation guidelines (Richards et al. 2015 PMID: 25741868, with internal and published modifications).